The following is an entry in ClinVar:

NM_005591.4(MRE11):c.898C>A (p.Pro300Thr)

Gene: MRE11 (MRE11 double strand break repair nuclease; minus strand). Cytogenetic location: 11q21.
Variant type: single nucleotide variant.
Coding change: c.898C>A on transcript NM_005591.4 (MANE Select); coding-DNA position 898, C replaced by A.
Protein change: p.Pro300Thr; replaces proline 300 with threonine.
Molecular consequence: missense variant.
Genome position (GRCh38, 1-based): chr11:94,470,590, G>T on the plus strand (C>A on the coding strand, the complement: MRE11 is on the minus strand). VCF-style: chr11-94470590-G-T. GRCh37 (hg19) VCF-style: chr11-94203756-G-T.
Other names: c.898C>A, p.Pro300Thr (NM_001330347.2, NM_005590.4); short protein forms P300T.
Identifiers: ClinVar variation 1799698 (VCV001799698.7), dbSNP rs2496484571, ClinGen allele CA382374553.

ClinVar aggregate classification (germline): Uncertain significance. Review status: criteria provided, multiple submitters, no conflicts (2 of 4 stars). 2 submissions from 2 submitters: Uncertain significance (2). Last evaluated 2022-05-07.

Conditions:
Ataxia-telangiectasia-like disorder (ATLD). Identifiers: MedGen C1858391, MONDO:0011457.
Hereditary cancer-predisposing syndrome. Also called: Neoplastic Syndromes, Hereditary; Tumor predisposition; Hereditary Cancer Syndrome; Hereditary neoplastic syndrome. Identifiers: Orphanet 140162, MedGen C0027672, MeSH D009386, MONDO:0015356.

Allele frequency attached by ClinVar (database versions not stated): gnomAD exomes below 0.00001.
gnomAD v4.1: 1 of 1,613,248 alleles (0.000062%); highest among the groups gnomAD compares: South Asian, 0.0011%; no homozygotes.

Submissions (2):

Labcorp Genetics (formerly Invitae), Labcorp
Classification: Uncertain significance for Ataxia-telangiectasia-like disorder. Last evaluated: 2022-05-07. Review status: criteria provided, single submitter. Criteria: Invitae Variant Classification Sherloc (09022015). Collection method: clinical testing. Allele origin: germline.
Comment: This variant has not been reported in the literature in individuals affected with MRE11-related conditions. This variant is not present in population databases (gnomAD no frequency). This sequence change replaces proline, which is neutral and non-polar, with threonine, which is neutral and polar, at codon 300 of the MRE11 protein (p.Pro300Thr). Algorithms developed to predict the effect of missense changes on protein structure and function are either unavailable or do not agree on the potential impact of this missense change (SIFT: "Deleterious"; PolyPhen-2: "Benign"; Align-GVGD: "Class C0"). In summary, the available evidence is currently insufficient to determine the role of this variant in disease. Therefore, it has been classified as a Variant of Uncertain Significance.

Ambry Genetics
Classification: Uncertain significance for Hereditary cancer-predisposing syndrome. Last evaluated: 2015-11-20. Review status: criteria provided, single submitter. Criteria: Ambry Variant Classification Scheme 2023. Collection method: clinical testing. Allele origin: germline.
Comment: The p.P300T variant (also known as c.898C>A), located in coding exon 8 of the MRE11A gene, results from a C to A substitution at nucleotide position 898. The proline at codon 300 is replaced by threonine, an amino acid with highly similar properties. This variant was not reported in population based cohorts in the following databases: Database of Single Nucleotide Polymorphisms (dbSNP), NHLBI Exome Sequencing Project (ESP), and 1000 Genomes Project. In the ESP, this variant was not observed in 6498 samples (12996 alleles) with coverage at this position. To date, this alteration has been detected with an allele frequency of approximately 0.001% (greater than 120000 alleles tested) in our clinical cohort. This amino acid position is well conserved in available vertebrate species. In addition, this alteration is predicted to be possibly damaging and deleterious by PolyPhen and SIFT in silico analyses, respectively. Since supporting evidence is limited at this time, the clinical significance of p.P300T remains unclear.